The following is an entry in ClinVar:

NM_000036.3(AMPD1):c.1680-9T>C

Gene: AMPD1 (adenosine monophosphate deaminase 1; minus strand). Cytogenetic location: 1p13.2.
Variant type: single nucleotide variant.
Coding change: c.1680-9T>C on transcript NM_000036.3 (MANE Select); 9 bases into the intron before coding-DNA position 1680, T replaced by C.
Molecular consequence: intron variant.
Genome position (GRCh38, 1-based): chr1:114,674,881, A>G on the plus strand (T>C on the coding strand, the complement: AMPD1 is on the minus strand). VCF-style: chr1-114674881-A-G. GRCh37 (hg19) VCF-style: chr1-115217502-A-G.
Other names: c.1668-9T>C (NM_001172626.2).
Identifiers: ClinVar variation 3605110 (VCV003605110.2).
Genomic context (GRCh38, chr1:114,674,881, plus strand): 5'-TCCAGCTTCTCCACAGTGAGGTCGGAACAGAAACGTATTCATGCCTCGTTCCCTGGGGAA[A>G]TAGAACTGCTATTGGAATCGCAGGTTCTGGGTATGGAGTGATTCACAAGAAAATTCAGTA-3'

ClinVar aggregate classification (germline): Uncertain significance (1 of 4 stars; one submission).

Conditions:
Muscle AMP deaminase deficiency (MMDD). Also called: Myoadenylate deaminase deficiency, myopathy due to; AMPD1 DEFICIENCY; ADENOSINE MONOPHOSPHATE DEAMINASE-1 DEFICIENCY, MYOPATHY DUE TO; Adenosine monophosphate deaminase 1 deficiency; AMP deaminase 1 deficiency; Adenosine Monophosphate Deaminase 1. Identifiers: Orphanet 45, MedGen C3714933, MONDO:0014220, OMIM 615511.

gnomAD v4.1: 7 of 1,614,044 alleles (0.00043%); highest among the groups gnomAD compares: Non-Finnish European, 0.00051%; no homozygotes.

Submission:

Labcorp Genetics (formerly Invitae), Labcorp
Classification: Uncertain significance for Muscle AMP deaminase deficiency. Last evaluated: 2024-09-11. Review status: criteria provided, single submitter. Criteria: Invitae Variant Classification Sherloc (09022015). Collection method: clinical testing. Allele origin: germline.
Comment: This sequence change falls in intron 12 of the AMPD1 gene. It does not directly change the encoded amino acid sequence of the AMPD1 protein. This variant is present in population databases (no rsID available, gnomAD 0.0009%). This variant has not been reported in the literature in individuals affected with AMPD1-related conditions. Algorithms developed to predict the effect of sequence changes on RNA splicing suggest that this variant may create or strengthen a splice site. In summary, the available evidence is currently insufficient to determine the role of this variant in disease. Therefore, it has been classified as a Variant of Uncertain Significance.